The following is an entry in ClinVar:

ClinVar aggregate classification (germline): Uncertain significance (1 of 4 stars; one submission).

Submission:

Labcorp Genetics (formerly Invitae), Labcorp
Classification: Uncertain significance. Last evaluated: 2023-08-24. Review status: criteria provided, single submitter. Criteria: Invitae Variant Classification Sherloc (09022015). Collection method: clinical testing. Allele origin: germline.
Comment: This sequence change creates a premature translational stop signal (p.Lys702*) in the IL6ST gene. While this is not anticipated to result in nonsense mediated decay, it is expected to disrupt the last 217 amino acid(s) of the IL6ST protein. This variant is not present in population databases (gnomAD no frequency). This variant has not been reported in the literature in individuals affected with IL6ST-related conditions. Experimental studies and prediction algorithms are not available or were not evaluated, and the functional significance of this variant is currently unknown. In summary, the available evidence is currently insufficient to determine the role of this variant in disease. Therefore, it has been classified as a Variant of Uncertain Significance.

NM_002184.4(IL6ST):c.2104A>T (p.Lys702Ter)

Gene: IL6ST (interleukin 6 cytokine family signal transducer; minus strand). Cytogenetic location: 5q11.2.
Variant type: single nucleotide variant.
Coding change: c.2104A>T on transcript NM_002184.4 (MANE Select); coding-DNA position 2104, A replaced by T.
Protein change: p.Lys702Ter; replaces lysine 702 with a stop codon.
Molecular consequence: nonsense. On other transcripts: 3 prime UTR variant (1), non-coding transcript variant (2).
Genome position (GRCh38, 1-based): chr5:55,941,735, T>A on the plus strand (A>T on the coding strand, the complement: IL6ST is on the minus strand). VCF-style: chr5-55941735-T-A. GRCh37 (hg19) VCF-style: chr5-55237563-T-A.
Other names: c.1921A>T, p.Lys641Ter (NM_001190981.2); c.2002A>T, p.Lys668Ter (NM_001364275.2); c.1894A>T, p.Lys632Ter (NM_001364276.2); c.1237A>T, p.Lys413Ter (NM_001364277.2); c.1201A>T, p.Lys401Ter (NM_001364278.2); c.1108A>T, p.Lys370Ter (NM_001364279.2); c.*1031A>T (NM_175767.3); short protein forms K370*, K413*, K641*, K668*, K702*, K401*, K632*.
Identifiers: ClinVar variation 2754973 (VCV002754973.3), dbSNP rs2533431061, ClinGen allele CA359779817.